The following is an entry in ClinVar:

NM_000059.4(BRCA2):c.9161C>T (p.Pro3054Leu)

Gene: BRCA2 (BRCA2 DNA repair associated; plus strand). Cytogenetic location: 13q13.1.
Variant type: single nucleotide variant.
Coding change: c.9161C>T on transcript NM_000059.4 (MANE Select); coding-DNA position 9161, C replaced by T.
Protein change: p.Pro3054Leu; replaces proline 3054 with leucine.
Molecular consequence: missense variant.
Genome position (GRCh38, 1-based): chr13:32,380,050, C>T. VCF-style: chr13-32380050-C-T. GRCh37 (hg19) VCF-style: chr13-32954187-C-T.
Other names: p.P3054L:CCC>CTC; short protein forms P3054L.
Identifiers: ClinVar variation 182259 (VCV000182259.25), dbSNP rs80359172, ClinGen allele CA026011.

ClinVar aggregate classification (germline): Conflicting classifications of pathogenicity. Review status: criteria provided, conflicting classifications (1 of 4 stars). 7 submissions from 7 submitters: Uncertain significance (6); Benign (1). Last evaluated 2025-06-19.

Conditions:
BRCA2-related cancer predisposition. Identifiers: MedGen CN377758, MONDO:0700269.
Hereditary cancer-predisposing syndrome. Also called: Tumor predisposition; Hereditary Cancer Syndrome; Hereditary neoplastic syndrome; Neoplastic Syndromes, Hereditary. Identifiers: Orphanet 140162, MedGen C0027672, MeSH D009386, MONDO:0015356.
Hereditary breast ovarian cancer syndrome. Also called: Breast and ovarian cancer; Hereditary breast and ovarian cancer; Hereditary breast and/or ovarian cancer syndrome; BRCA1- and BRCA2-Associated Hereditary Breast and Ovarian Cancer; Hereditary breast and ovarian cancer syndrome (HBOC); Hereditary breast and ovarian cancer syndrome. Identifiers: Orphanet 145, MedGen C0677776, MeSH D061325, MONDO:0003582. Disease mechanism: loss of function.

gnomAD v4.1: 2 of 1,614,000 alleles (0.00012%); highest among the groups gnomAD compares: Non-Finnish European, 0.00017%; no homozygotes.

Submissions (7):

Labcorp Genetics (formerly Invitae), Labcorp
Classification: Uncertain significance for Hereditary breast ovarian cancer syndrome. Last evaluated: 2025-06-19. Review status: criteria provided, single submitter. Criteria: Invitae Variant Classification Sherloc (09022015). Collection method: clinical testing. Allele origin: germline.
Comment: This sequence change replaces proline, which is neutral and non-polar, with leucine, which is neutral and non-polar, at codon 3054 of the BRCA2 protein (p.Pro3054Leu). This variant is not present in population databases (gnomAD no frequency). This missense change has been observed in individual(s) with clinical features of BRCA2-related conditions (PMID: 21520333). ClinVar contains an entry for this variant (Variation ID: 182259). Invitae Evidence Modeling of protein sequence and biophysical properties (such as structural, functional, and spatial information, amino acid conservation, physicochemical variation, residue mobility, and thermodynamic stability) indicates that this missense variant is not expected to disrupt BRCA2 protein function with a negative predictive value of 95%. In summary, the available evidence is currently insufficient to determine the role of this variant in disease. Therefore, it has been classified as a Variant of Uncertain Significance.

Ambry Genetics
Classification: Benign for Hereditary cancer-predisposing syndrome. Last evaluated: 2025-05-23. Review status: criteria provided, single submitter. Criteria: Ambry Variant Classification Scheme 2023. Collection method: clinical testing. Allele origin: germline.

Quest Diagnostics Nichols Institute San Juan Capistrano
Classification: Uncertain significance. Last evaluated: 2024-12-11. Review status: criteria provided, single submitter. Criteria: Quest Diagnostics criteria. Collection method: clinical testing. Allele origin: unknown.
Comment: The BRCA2 c.9161C>T (p.Pro3054Leu) variant has been reported in the published literature in an individual with breast cancer (PMID: 33471991 (2021), see also LOVD). This variant has not been reported in large, multi-ethnic general populations (Genome Aggregation Database). Analysis of this variant using bioinformatics tools for the prediction of the effect of amino acid changes on protein structure and function yielded predictions that this variant is benign. Based on the available information, we are unable to determine the clinical significance of this variant.

All of Us Research Program, National Institutes of Health
Classification: Uncertain significance for BRCA2-related cancer predisposition. Last evaluated: 2024-09-23. Review status: criteria provided, single submitter. Criteria: ACMG Guidelines, 2015. Collection method: clinical testing. Allele origin: germline. Inheritance: Autosomal dominant inheritance. Observed: 6 variant alleles, 6 heterozygotes.
Comment: This missense variant replaces proline with leucine at codon 3054 of the BRCA2 protein. Computational prediction suggests that this variant may not impact protein structure and function (internally defined REVEL score threshold <= 0.5, PMID: 27666373). To our knowledge, functional studies have not been reported for this variant. This variant has been reported in an individual affected with breast cancer (PMID: 33471991; Leiden Open Variation Database DB-ID BRCA2_001715). This variant has not been identified in the general population by the Genome Aggregation Database (gnomAD). The available evidence is insufficient to determine the role of this variant in disease conclusively. Therefore, this variant is classified as a Variant of Uncertain Significance.

This study involves interpretation of variants in research participants for the purpose of population health screening. Participant phenotype was not available at the time of variant classification. Additional details can be found in publication PMID: 35346344, PMCID: PMC8962531

Color Diagnostics, LLC DBA Color Health
Classification: Uncertain significance for Hereditary cancer-predisposing syndrome. Last evaluated: 2023-09-13. Review status: criteria provided, single submitter. Criteria: ACMG Guidelines, 2015. Collection method: clinical testing. Allele origin: germline.
Comment: This missense variant replaces proline with leucine at codon 3054 of the BRCA2 protein. Computational prediction suggests that this variant may not impact protein structure and function (internally defined REVEL score threshold <= 0.5, PMID: 27666373). To our knowledge, functional studies have not been reported for this variant. This variant has been reported in an individual affected with breast cancer (PMID: 33471991; Leiden Open Variation Database DB-ID BRCA2_001715). This variant has not been identified in the general population by the Genome Aggregation Database (gnomAD). The available evidence is insufficient to determine the role of this variant in disease conclusively. Therefore, this variant is classified as a Variant of Uncertain Significance.

Women's Health and Genetics/Laboratory Corporation of America, LabCorp
Classification: Uncertain significance. Last evaluated: 2022-03-07. Review status: criteria provided, single submitter. Criteria: LabCorp Variant Classification Summary - May 2015. Collection method: clinical testing. Allele origin: germline.
Comment: Variant summary: BRCA2 c.9161C>T (p.Pro3054Leu) results in a non-conservative amino acid change located in the oligonucleotide/oligosaccharide-binding, domain 3 (PF09104) of the encoded protein sequence. Four of five in-silico tools predict a benign effect of the variant on protein function. The variant was absent in 251260 control chromosomes (gnomAD). The available data on variant occurrences in the general population are insufficient to allow any conclusion about variant significance. c.9161C>T has been reported in the literature in individuals affected with Breast Cancer (e.g. Moghadasi_2013, Dorling_2021). These reports do not provide unequivocal conclusions about association of the variant with Hereditary Breast And Ovarian Cancer Syndrome. To our knowledge, no experimental evidence demonstrating an impact on protein function has been reported. Five ClinVar submitters have assessed the variant since 2014: all have classified the variant as of uncertain significance. Based on the evidence outlined above, the variant was classified as uncertain significance.

GeneDx
Classification: Uncertain significance. Last evaluated: 2018-05-17. Review status: criteria provided, single submitter. Criteria: GeneDx Variant Classification (06012015). Collection method: clinical testing. Allele origin: germline. Affected: yes.
Comment: This variant is denoted BRCA2 c.9161C>T at the cDNA level, p.Pro3054Leu (P3054L) at the protein level, and results in the change of a Proline to a Leucine (CCC>CTC). BRCA2 c.9161C>T, previously reported as c.9389C>T, has not, to our knowledge, been published in the literature as pathogenic or benign. BRCA2 Pro3054Leu was not observed in large population cohorts (Lek 2016). Since Proline and Leucine differ in some properties, this is considered a semi-conservative amino acid substitution. BRCA2 Pro3054Leu is located in the DNA binding domain (Yang 2002). In silico analysis, which includes protein predictors and evolutionary conservation, supports that this variant does not alter protein structure/function. Based on currently available information, it is unclear whether BRCA2 Pro3054Leu is pathogenic or benign. We consider it to be a variant of uncertain significance.

Literature cited by the submitters: PubMed 21520333 (cited by Labcorp Genetics (formerly Invitae), Labcorp); PubMed 23231788 (cited by 3 submitters); PubMed 33471991 (cited by 5 submitters); PubMed 31853058 (cited by Quest Diagnostics Nichols Institute San Juan Capistrano).